The following is an entry in ClinVar:

NM_001375380.1(EBF3):c.833dup (p.Ala279fs)

Genes: EBF3 (EBF transcription factor 3; minus strand), EBF3-AS1 (EBF3 antisense RNA 1; plus strand). Cytogenetic location: 10q26.3.
Variant type: Duplication.
Coding change: c.833dup on transcript NM_001375380.1 (MANE Select); coding-DNA position 833, one base duplicated (G; older notation c.833dupG).
Protein change: p.Ala279fs; shifts the reading frame from alanine 279.
Molecular consequence: frameshift variant.
Genome position (GRCh38, 1-based): chr10:129,867,861, C duplicated on the plus strand (G on the coding strand, the reverse complement: EBF3 is on the minus strand); the first of 6 consecutive C bases (chr10:129,867,861-129,867,866); duplicating any one gives the same sequence. VCF-style (leftmost placement, unchanged base first): chr10-129867860-A-AC. GRCh37 (hg19) VCF-style: chr10-131666124-A-AC.
Other names: c.806dup (NM_001005463.2); c.806dup, p.Ala270fs (NM_001005463.3, NM_001375390.1, NM_001375392.1); c.833dup, p.Ala279fs (NM_001375379.1, NM_001375389.1, NM_001375391.1); short protein forms A270fs, A279fs.
Identifiers: ClinVar variation 817501 (VCV000817501.4), dbSNP rs1589745620, ClinGen allele CA645568920.

ClinVar aggregate classification (germline): Pathogenic. Review status: criteria provided, multiple submitters, no conflicts (2 of 4 stars). 3 submissions from 3 submitters: Pathogenic (3). Last evaluated 2026-04-22.

Conditions:
Hypotonia, ataxia, and delayed development syndrome (HADDS). Also called: EBF3 Neurodevelopmental Disorder. Identifiers: Orphanet 658843, MedGen C4310618, MONDO:0015021, OMIM 617330.
Paediatric disorders.

Submissions (3):

NHS Central & South Genomic Laboratory Hub
Classification: Pathogenic for Paediatric disorders. Last evaluated: 2026-04-22. Review status: criteria provided, single submitter. Criteria: ACMG Guidelines, 2015. Collection method: clinical testing. Allele origin: germline. Affected: yes.

GeneDx
Classification: Pathogenic. Last evaluated: 2022-11-18. Review status: criteria provided, single submitter. Criteria: GeneDx Variant Classification Process June 2021. Collection method: clinical testing. Allele origin: germline. Affected: yes.
Comment: Frameshift variant predicted to result in protein truncation or nonsense mediated decay in a gene for which loss of function is a known mechanism of disease; Not observed at significant frequency in large population cohorts (gnomAD); Has not been previously published as pathogenic or benign to our knowledge

3billion
Classification: Pathogenic for Hypotonia, ataxia, and delayed development syndrome. Last evaluated: 2022-03-22. Review status: criteria provided, single submitter. Criteria: ACMG Guidelines, 2015. Collection method: clinical testing. Allele origin: germline. Affected: yes. Observed: 1 heterozygote.
Comment: Frameshift: predicted to result in a loss or disruption of normal protein function through nonsense-mediated decay (NMD) or protein truncation. Multiple pathogenic variants are reported downstream of the variant.It is not observed in the gnomAD v2.1.1 dataset. This variant has been reported as pathogenic (ClinVar ID: VCV000817501, 3billion dataset). Therefore, this variant is classified as pathogenic according to the recommendation of ACMG/AMP guideline.